The following is an entry in ClinVar:

ClinVar aggregate classification (germline): Uncertain significance (1 of 4 stars; one submission).

Conditions:
Bethlem myopathy 1A. Also called: Bethlem Muscular Dystrophy; MYOPATHY, BENIGN CONGENITAL, WITH CONTRACTURES; Bethlem myopathy 1. Identifiers: Orphanet 610, MedGen CN029274, MONDO:0024530, OMIM 158810.

Allele frequency attached by ClinVar (database versions not stated): gnomAD exomes 0.00001; gnomAD 0.00001.
gnomAD v4.1: 5 of 1,614,036 alleles (0.00031%); highest among the groups gnomAD compares: South Asian, 0.0044%; no homozygotes.

Submission:

Labcorp Genetics (formerly Invitae), Labcorp
Classification: Uncertain significance for Bethlem myopathy 1A. Last evaluated: 2018-05-19. Review status: criteria provided, single submitter. Criteria: Invitae Variant Classification Sherloc (09022015). Collection method: clinical testing. Allele origin: germline.
Comment: This sequence change replaces asparagine with serine at codon 3133 of the COL6A3 protein (p.Asn3133Ser). The asparagine residue is weakly conserved and there is a small physicochemical difference between asparagine and serine. In summary, the available evidence is currently insufficient to determine the role of this variant in disease. Therefore, it has been classified as a Variant of Uncertain Significance. Algorithms developed to predict the effect of missense changes on protein structure and function are either unavailable or do not agree on the potential impact of this missense change (SIFT: "Tolerated"; PolyPhen-2: "Not Available"; Align-GVGD: "Class C0"). This variant has not been reported in the literature in individuals with COL6A3-related disease. This variant is not present in population databases (ExAC no frequency).

NM_004369.4(COL6A3):c.9398A>G (p.Asn3133Ser)

Genes: COL6A3 (collagen type VI alpha 3 chain; minus strand), LOC126806573 (CDK7 strongly-dependent group 2 enhancer GRCh37_chr2:238233151-238234350; plus strand). Cytogenetic location: 2q37.3.
Variant type: single nucleotide variant.
Coding change: c.9398A>G on transcript NM_004369.4 (MANE Select); coding-DNA position 9398, A replaced by G.
Protein change: p.Asn3133Ser; replaces asparagine 3133 with serine.
Molecular consequence: missense variant.
Genome position (GRCh38, 1-based): chr2:237,325,655, T>C on the plus strand (A>G on the coding strand, the complement: COL6A3 is on the minus strand). VCF-style: chr2-237325655-T-C. GRCh37 (hg19) VCF-style: chr2-238234298-T-C.
Other names: c.7577A>G, p.Asn2526Ser (NM_057166.5); c.8780A>G, p.Asn2927Ser (NM_057167.4); short protein forms N2526S, N2927S, N3133S.
Identifiers: ClinVar variation 1005356 (VCV001005356.9), dbSNP rs1699901008, ClinGen allele CA351185536.